The following is an entry in ClinVar:

NM_000059.4(BRCA2):c.4722del (p.Asp1575fs)

Gene: BRCA2 (BRCA2 DNA repair associated; plus strand). Cytogenetic location: 13q13.1.
Variant type: Deletion.
Coding change: c.4722del on transcript NM_000059.4 (MANE Select); coding-DNA position 4722, one base deleted (A; older notation c.4722delA).
Protein change: p.Asp1575fs; shifts the reading frame from aspartic acid 1575.
Molecular consequence: frameshift variant.
Genome position (GRCh38, 1-based): chr13:32,339,077, A deleted; the last of 3 consecutive A bases (chr13:32,339,075-32,339,077); deleting any one gives the same sequence. VCF-style (leftmost placement, unchanged base first): chr13-32339074-TA-T. GRCh37 (hg19) VCF-style: chr13-32913211-TA-T.
Other names: short protein forms D1575fs.
Identifiers: ClinVar variation 949456 (VCV000949456.8), dbSNP rs879255453, ClinGen allele CA1139663214.

ClinVar aggregate classification (germline): Pathogenic (1 of 4 stars; one submission).

Conditions:
Hereditary breast ovarian cancer syndrome. Also called: Hereditary breast and/or ovarian cancer syndrome; Hereditary breast and ovarian cancer syndrome; Hereditary breast and ovarian cancer syndrome (HBOC); Breast and ovarian cancer; BRCA1- and BRCA2-Associated Hereditary Breast and Ovarian Cancer; Hereditary breast and ovarian cancer. Identifiers: Orphanet 145, MedGen C0677776, MeSH D061325, MONDO:0003582. Disease mechanism: loss of function.

Submission:

Labcorp Genetics (formerly Invitae), Labcorp
Classification: Pathogenic for Hereditary breast ovarian cancer syndrome. Last evaluated: 2019-06-16. Review status: criteria provided, single submitter. Criteria: Invitae Variant Classification Sherloc (09022015). Collection method: clinical testing. Allele origin: germline.
Comment: This sequence change creates a premature translational stop signal (p.Asp1575Thrfs*4) in the BRCA2 gene. It is expected to result in an absent or disrupted protein product. This variant is not present in population databases (ExAC no frequency). For these reasons, this variant has been classified as Pathogenic. Loss-of-function variants in BRCA2 are known to be pathogenic (PMID: 20104584). This variant has not been reported in the literature in individuals with BRCA2-related conditions.

Literature cited by the submitters: PubMed 20104584.